The following is an entry in ClinVar:

ClinVar aggregate classification (germline): Uncertain significance (1 of 4 stars; one submission).

gnomAD v4.1: 10 of 1,551,242 alleles (0.00064%); highest among the groups gnomAD compares: Non-Finnish European, 0.00079%; no homozygotes.

Submission:

GeneDx
Classification: Uncertain significance. Last evaluated: 2026-03-31. Review status: criteria provided, single submitter. Criteria: GeneDx Variant Classification Process June 2021. Collection method: clinical testing. Allele origin: germline.
Comment: Not observed at significant frequency in large population cohorts (gnomAD); In silico analysis supports that this missense variant has a deleterious effect on protein structure/function; Has not been previously published as pathogenic or benign to our knowledge

NM_001142966.3(GREB1L):c.746C>A (p.Ser249Tyr)

Genes: GREB1L (GREB1 like retinoic acid receptor coactivator; plus strand), GREB1L-AS1 (GREB1L antisense RNA 1; minus strand). Cytogenetic location: 18q11.1.
Variant type: single nucleotide variant.
Coding change: c.746C>A on transcript NM_001142966.3 (MANE Select); coding-DNA position 746, C replaced by A.
Protein change: p.Ser249Tyr; replaces serine 249 with tyrosine.
Molecular consequence: missense variant.
Genome position (GRCh38, 1-based): chr18:21,403,908, C>A. VCF-style: chr18-21403908-C-A. GRCh37 (hg19) VCF-style: chr18-18983869-C-A.
Other names: c.746C>A, p.Ser249Tyr (NM_001410867.1, NM_001410868.1); short protein forms S249Y.
Identifiers: ClinVar variation 5017735 (VCV005017735.1).